The following is an entry in ClinVar:

ClinVar aggregate classification (germline): Benign/Likely benign. Review status: criteria provided, multiple submitters, no conflicts (2 of 4 stars). 12 submissions from 12 submitters: Benign (4); Likely benign (8). Last evaluated 2026-07-01.

Conditions:
Familial melanoma. Also called: Hereditary melanoma; Hereditary cutaneous melanoma. Identifiers: Orphanet 618, MedGen C1512419, MONDO:0018961.
Hereditary cancer-predisposing syndrome. Also called: Neoplastic Syndromes, Hereditary; Tumor predisposition; Hereditary neoplastic syndrome; Hereditary Cancer Syndrome. Identifiers: Orphanet 140162, MedGen C0027672, MeSH D009386, MONDO:0015356.
Melanoma, cutaneous malignant, susceptibility to, 3. Also called: Cutaneous malignant melanoma 3. Identifiers: Orphanet 618, MedGen C1836892, MONDO:0012183, OMIM 609048.

Allele frequency attached by ClinVar (database versions not stated): TOPMed 0.00013; gnomAD 0.00016.
gnomAD v4.1: 241 of 1,614,026 alleles (0.015%); highest among the groups gnomAD compares: Non-Finnish European, 0.02%; no homozygotes.

Submissions (12):

CeGaT Center for Human Genetics Tuebingen
Classification: Likely benign. Last evaluated: 2026-07-01. Review status: criteria provided, single submitter. Criteria: CeGaT Center For Human Genetics Tuebingen Variant Classification Criteria Version 2. Collection method: clinical testing. Allele origin: germline. Affected: yes. Observed: 1 variant allele.
Comment: CDK4: BP4

Labcorp Genetics (formerly Invitae), Labcorp
Classification: Likely benign for Familial melanoma. Last evaluated: 2026-02-03. Review status: criteria provided, single submitter. Criteria: Invitae Variant Classification Sherloc (09022015). Collection method: clinical testing. Allele origin: germline.

Center for Genomic Medicine, Rigshospitalet, Copenhagen University Hospital
Classification: Likely benign. Last evaluated: 2025-03-04. Review status: criteria provided, single submitter. Criteria: ACMG Guidelines, 2015. Collection method: clinical testing. Allele origin: germline.

Molecular Pathology, Peter Maccallum Cancer Centre
Classification: Likely benign for Melanoma, cutaneous malignant, susceptibility to, 3. Last evaluated: 2025-01-30. Review status: criteria provided, single submitter. Criteria: ACMG Guidelines, 2015. Collection method: clinical testing. Allele origin: germline. Inheritance: Autosomal dominant inheritance.

Blueprint Genetics
Classification: Likely benign. Last evaluated: 2024-11-07. Review status: criteria provided, single submitter. Criteria: ACMG Guidelines, 2015. Collection method: clinical testing. Allele origin: germline.

Myriad Genetics, Inc.
Classification: Likely benign for Melanoma, cutaneous malignant, susceptibility to, 3. Last evaluated: 2024-09-26. Review status: criteria provided, single submitter. Criteria: Myriad Autosomal Dominant, Autosomal Recessive and X-Linked Classification Criteria (2023). Collection method: clinical testing. Allele origin: unknown.
Comment: This variant is considered likely benign. This variant is intronic and is not expected to impact mRNA splicing.

Quest Diagnostics Nichols Institute San Juan Capistrano
Classification: Benign. Last evaluated: 2023-03-22. Review status: criteria provided, single submitter. Criteria: Quest Diagnostics criteria. Collection method: clinical testing. Allele origin: unknown.

Department of Pathology and Laboratory Medicine, Sinai Health System
Classification: Likely benign for Melanoma, cutaneous malignant, susceptibility to, 3. Last evaluated: 2023-03-02. Review status: criteria provided, single submitter. Criteria: ACMG Guidelines, 2015. Collection method: clinical testing. Allele origin: germline. Affected: no.

GeneDx
Classification: Likely benign. Last evaluated: 2020-03-27. Review status: criteria provided, single submitter. Criteria: GeneDx Variant Classification Process June 2021. Collection method: clinical testing. Allele origin: germline. Affected: yes.
Comment: This variant is associated with the following publications: (PMID: 25980754)

Ambry Genetics
Classification: Benign for Hereditary cancer-predisposing syndrome. Last evaluated: 2019-04-05. Review status: criteria provided, single submitter. Criteria: Ambry Variant Classification Scheme 2023. Collection method: clinical testing. Allele origin: germline.

Illumina Laboratory Services, Illumina
Classification: Benign for Melanoma, cutaneous malignant, susceptibility to, 3. Last evaluated: 2018-01-13. Review status: criteria provided, single submitter. Criteria: ICSL Variant Classification Criteria 13 December 2019. Collection method: clinical testing. Allele origin: germline.
Comment: This variant was observed in the ICSL laboratory as part of a predisposition screen in an ostensibly healthy population. It had not been previously curated by ICSL or reported in the Human Gene Mutation Database (HGMD: prior to June 1st, 2018), and was therefore a candidate for classification through an automated scoring system. Utilizing variant allele frequency, disease prevalence and penetrance estimates, and inheritance mode, an automated score was calculated to assess if this variant is too frequent to cause the disease. Based on the score and internal cut-off values, a variant classified as benign is not then subjected to further curation. The score for this variant resulted in a classification of benign for this disease.

Women's Health and Genetics/Laboratory Corporation of America, LabCorp
Classification: Benign. Last evaluated: 2016-10-21. Review status: criteria provided, single submitter. Criteria: LabCorp Variant Classification Summary - May 2015. Collection method: clinical testing. Allele origin: germline.
Comment: Variant summary: The CDK4 c.684-4A>T variant involves the alteration of a non-conserved intronic nucleotide with 5/5 splice prediction tools predict no significant impact on normal splicing and ESE finder predicting alterations to ESE binding, although these predictions have yet to be functionally assessed. The variant of interest was observed in the large, broad control population, ExAC, with an allele frequency of 21/121132 (1/5767), predominantly in the European (Non-Finnish) cohort, 19/66612 (1/3506), which significantly exceeds the estimated maximal expected allele frequency for a pathogenic CDK4 variant of 1/50000. Therefore, suggesting this is likely a benign polymorphism found primarily in population(s) of European (Non-Finnish) origin. The variant of interest has been reported in affected individuals via publications, however, cosegregation data was not provided. Clinical diagnostic laboratories have cited the variant with conflicting classifications "uncertain siginficance" or "likely benign," without any additional information to provide an independent evaluation. Therefore, taking all available lines of evidence into consideration, the variant of interest has been classified as Benign.

Literature cited by the submitters: PubMed 25980754 (cited by Quest Diagnostics Nichols Institute San Juan Capistrano and Women's Health and Genetics/Laboratory Corporation of America, LabCorp).

NM_000075.4(CDK4):c.684-4A>T

Genes: TSPAN31 (tetraspanin 31; plus strand), CDK4 (cyclin dependent kinase 4; minus strand). Cytogenetic location: 12q14.1.
Variant type: single nucleotide variant.
Coding change: c.684-4A>T on transcript NM_000075.4 (MANE Select); 4 bases into the intron before coding-DNA position 684, A replaced by T.
Molecular consequence: intron variant. On other transcripts: 3 prime UTR variant (3).
Genome position (GRCh38, 1-based): chr12:57,749,321, T>A on the plus strand (A>T on the coding strand, the complement: CDK4 is on the minus strand). VCF-style: chr12-57749321-T-A. GRCh37 (hg19) VCF-style: chr12-58143104-T-A.
Other names: c.*2031T>A (NM_001330168.2, NM_001330169.2, NM_005981.5).
Identifiers: ClinVar variation 142091 (VCV000142091.34), dbSNP rs370609910, ClinGen allele CA167380.